The following is an entry in ClinVar:

ClinVar aggregate classification (germline): Uncertain significance (1 of 4 stars; one submission).

Conditions:
Hereditary cancer-predisposing syndrome. Also called: Tumor predisposition; Hereditary Cancer Syndrome; Neoplastic Syndromes, Hereditary; Hereditary neoplastic syndrome. Identifiers: Orphanet 140162, MedGen C0027672, MeSH D009386, MONDO:0015356.

Submission:

Ambry Genetics
Classification: Uncertain significance for Hereditary cancer-predisposing syndrome. Last evaluated: 2018-05-18. Review status: criteria provided, single submitter. Criteria: Ambry Variant Classification Scheme 2023. Collection method: clinical testing. Allele origin: germline.
Comment: The p.G315R variant (also known as c.943G>A), located in coding exon 7 of the BRIP1 gene, results from a G to A substitution at nucleotide position 943. The glycine at codon 315 is replaced by arginine, an amino acid with dissimilar properties. This amino acid position is well conserved in available vertebrate species. In addition, the in silico prediction for this alteration is inconclusive. Since supporting evidence is limited at this time, the clinical significance of this alteration remains unclear.

NM_032043.3(BRIP1):c.943G>A (p.Gly315Arg)

Gene: BRIP1 (BRCA1 interacting DNA helicase 1; minus strand). Cytogenetic location: 17q23.2.
Variant type: single nucleotide variant.
Coding change: c.943G>A on transcript NM_032043.3 (MANE Select); coding-DNA position 943, G replaced by A.
Protein change: p.Gly315Arg; replaces glycine 315 with arginine.
Molecular consequence: missense variant.
Genome position (GRCh38, 1-based): chr17:61,801,450, C>T on the plus strand (G>A on the coding strand, the complement: BRIP1 is on the minus strand). VCF-style: chr17-61801450-C-T. GRCh37 (hg19) VCF-style: chr17-59878811-C-T.
Other names: short protein forms G315R.
Identifiers: ClinVar variation 823254 (VCV000823254.4), dbSNP rs1603343393, ClinGen allele CA400484274.